The following is an entry in ClinVar:

NM_000748.3(CHRNB2):c.1222_1224dup (p.Ala408_Pro409insAla)

Gene: CHRNB2 (cholinergic receptor nicotinic beta 2 subunit; plus strand). Cytogenetic location: 1q21.3.
Variant type: Duplication.
Coding change: c.1222_1224dup on transcript NM_000748.3 (MANE Select); coding-DNA positions 1222 to 1224, 3 bases duplicated (GCA; older notation c.1222_1224dupGCA).
Protein change: p.Ala408_Pro409insAla.
Molecular consequence: inframe insertion.
Genome position (GRCh38, 1-based): chr1:154,572,045-154,572,047, GCA duplicated. VCF-style (leftmost placement, unchanged base first): chr1-154572044-T-TGCA. GRCh37 (hg19) VCF-style: chr1-154544520-T-TGCA.
Identifiers: ClinVar variation 4807570 (VCV004807570.1).

ClinVar aggregate classification (germline): Uncertain significance (1 of 4 stars; one submission).

Conditions:
Familial sleep-related hypermotor epilepsy. Also called: Autosomal Dominant Sleep-Related Hypermotor (Hyperkinetic) Epilepsy. Identifiers: Orphanet 98784, MedGen C3696898, MONDO:0000030.

Submission:

Labcorp Genetics (formerly Invitae), Labcorp
Classification: Uncertain significance. Last evaluated: 2025-10-20. Review status: criteria provided, single submitter. Criteria: Invitae Variant Classification Sherloc (09022015). Collection method: clinical testing. Allele origin: germline.
Comment: This variant, c.1222_1224dup, results in the insertion of 1 amino acid(s) of the CHRNB2 protein (p.Ala408dup), but otherwise preserves the integrity of the reading frame. This variant is not present in population databases (gnomAD no frequency). This variant has not been reported in the literature in individuals affected with CHRNB2-related conditions. In summary, the available evidence is currently insufficient to determine the role of this variant in disease. Therefore, it has been classified as a Variant of Uncertain Significance.